The following is an entry in ClinVar:

NM_001379610.1(SPINK1):c.155A>G (p.Asn52Ser)

Gene: SPINK1 (serine peptidase inhibitor Kazal type 1; minus strand). Cytogenetic location: 5q32.
Variant type: single nucleotide variant.
Coding change: c.155A>G on transcript NM_001379610.1 (MANE Select); coding-DNA position 155, A replaced by G.
Protein change: p.Asn52Ser; replaces asparagine 52 with serine.
Molecular consequence: missense variant.
Genome position (GRCh38, 1-based): chr5:147,828,061, T>C on the plus strand (A>G on the coding strand, the complement: SPINK1 is on the minus strand). VCF-style: chr5-147828061-T-C. GRCh37 (hg19) VCF-style: chr5-147207624-T-C.
Other names: c.155A>G, p.Asn52Ser (NM_001354966.2, NM_003122.5); short protein forms N52S.
Identifiers: ClinVar variation 2562044 (VCV002562044.4), dbSNP rs1756442430, ClinGen allele CA361885244.

ClinVar aggregate classification (germline): Uncertain significance. Review status: criteria provided, multiple submitters, no conflicts (2 of 4 stars). 2 submissions from 2 submitters: Uncertain significance (2). Last evaluated 2024-05-15.

Conditions:
Hereditary pancreatitis (PCTT). Also called: Hereditary chronic pancreatitis; PRSS1-Related Hereditary Pancreatitis. Identifiers: Orphanet 676, MedGen C0238339, MONDO:0008185, OMIM 167800.

Allele frequency attached by ClinVar (database versions not stated): TOPMed 0.00002.

Submissions (2):

Labcorp Genetics (formerly Invitae), Labcorp
Classification: Uncertain significance for Hereditary pancreatitis. Last evaluated: 2024-05-15. Review status: criteria provided, single submitter. Criteria: Invitae Variant Classification Sherloc (09022015). Collection method: clinical testing. Allele origin: germline.
Comment: This sequence change replaces asparagine, which is neutral and polar, with serine, which is neutral and polar, at codon 52 of the SPINK1 protein (p.Asn52Ser). This variant is not present in population databases (gnomAD no frequency). This variant has not been reported in the literature in individuals affected with SPINK1-related conditions. ClinVar contains an entry for this variant (Variation ID: 2562044). An algorithm developed to predict the effect of missense changes on protein structure and function (PolyPhen-2) suggests that this variant is likely to be tolerated. In summary, the available evidence is currently insufficient to determine the role of this variant in disease. Therefore, it has been classified as a Variant of Uncertain Significance.

Ambry Genetics
Classification: Uncertain significance for Hereditary pancreatitis. Last evaluated: 2023-04-08. Review status: criteria provided, single submitter. Criteria: Ambry Variant Classification Scheme 2023. Collection method: clinical testing. Allele origin: germline.
Comment: The p.N52S variant (also known as c.155A>G), located in coding exon 3 of the SPINK1 gene, results from an A to G substitution at nucleotide position 155. The asparagine at codon 52 is replaced by serine, an amino acid with highly similar properties. This amino acid position is conserved. In addition, this alteration is predicted to be tolerated by in silico analysis. Since supporting evidence is limited at this time, the clinical significance of this alteration remains unclear.